The following is an entry in ClinVar:

NM_001111125.3(IQSEC2):c.1075C>T (p.Arg359Cys)

Gene: IQSEC2 (IQ motif and Sec7 domain ArfGEF 2; minus strand). Cytogenetic location: Xp11.22.
Variant type: single nucleotide variant.
Coding change: c.1075C>T on transcript NM_001111125.3 (MANE Select); coding-DNA position 1075, C replaced by T.
Protein change: p.Arg359Cys; replaces arginine 359 with cysteine.
Molecular consequence: missense variant.
Genome position (GRCh38, 1-based): chrX:53,254,856, G>A on the plus strand (C>T on the coding strand, the complement: IQSEC2 is on the minus strand). VCF-style: chrX-53254856-G-A. GRCh37 (hg19) VCF-style: chrX-53284038-G-A.
Other names: c.460C>T, p.Arg154Cys (NM_015075.2); short protein forms R359C, R154C.
Identifiers: ClinVar variation 10865 (VCV000010865.4), dbSNP rs267607188, ClinGen allele CA281600.

ClinVar aggregate classification (germline): Likely pathogenic. Review status: criteria provided, single submitter (1 of 4 stars). 2 submissions from 2 submitters: Likely pathogenic (1). 1 of the submissions does not count toward it. Last evaluated 2025-11-28.

Conditions:
Intellectual developmental disorder, X-linked 1. Also called: MENTAL RETARDATION, X-LINKED 18; MENTAL RETARDATION, X-LINKED 78; Intellectual disability, X-linked 1; Atkin Flaitz Patil Smith syndrome. Identifiers: Orphanet 777, MedGen C2931498, MONDO:0010656, OMIM 309530.

Submissions (2):

Institute of Human Genetics, University of Leipzig Medical Center
Classification: Likely pathogenic for Intellectual developmental disorder, X-linked 1. Last evaluated: 2025-11-28. Review status: criteria provided, single submitter. Criteria: ACMG Guidelines, 2015. Collection method: clinical testing. Allele origin: unknown. Inheritance: X-linked dominant inheritance. Affected: yes.
Comment: Criteria applied: PM2,PM5,PP1_MOD,PP3, PS3_SUP,PS4_MOD

OMIM
Classification: Pathogenic for INTELLECTUAL DEVELOPMENTAL DISORDER, X-LINKED 1. Last evaluated: 2010-06-01. Review status: no assertion criteria provided. Collection method: literature only. Allele origin: germline. Not counted in ClinVar's aggregate classification.

Literature cited by the submitters: PubMed 20473311 (cited by OMIM).